The following is an entry in ClinVar:

ClinVar aggregate classification (germline): Likely benign. Review status: criteria provided, multiple submitters, no conflicts (2 of 4 stars). 3 submissions from 3 submitters: Likely benign (3). Last evaluated 2026-09-01.

Conditions:
Malignant hyperthermia, susceptibility to, 1 (MHS1). Also called: Malignant hyperthermia suceptibility 1; RYR1-Related Malignant Hyperthermia Susceptibility; Anesthesia related hyperthermia; Malignant hyperpyrexia; Fulminating hyperpyrexia; Pharmacogenic myopathy. Identifiers: Orphanet 423, MedGen C2930980, MONDO:0007783, OMIM 145600.
RYR1-related disorder. Also called: RYR1-related disorders; RYR1-related condition. Identifiers: MedGen CN239331.

Allele frequency attached by ClinVar (database versions not stated): ExAC 0.00001; gnomAD 0.00002; gnomAD exomes 0.00002 and 0.00003; TOPMed 0.00003.
gnomAD v4.1: 46 of 1,614,006 alleles (0.0029%); highest among the groups gnomAD compares: Admixed American, 0.01%; no homozygotes.

Submissions (3):

CeGaT Center for Human Genetics Tuebingen
Classification: Likely benign. Last evaluated: 2026-09-01. Review status: criteria provided, single submitter. Criteria: CeGaT Center For Human Genetics Tuebingen Variant Classification Criteria Version 2. Collection method: clinical testing. Allele origin: germline. Affected: yes. Observed: 1 variant allele.
Comment: RYR1: BP4, BP7

Labcorp Genetics (formerly Invitae), Labcorp
Classification: Likely benign for RYR1-related disorder. Last evaluated: 2025-12-18. Review status: criteria provided, single submitter. Criteria: Invitae Variant Classification Sherloc (09022015). Collection method: clinical testing. Allele origin: germline.

Color Diagnostics, LLC DBA Color Health
Classification: Likely benign for Malignant hyperthermia, susceptibility to, 1. Last evaluated: 2022-11-06. Review status: criteria provided, single submitter. Criteria: ACMG Guidelines, 2015. Collection method: clinical testing. Allele origin: germline.

NM_000540.3(RYR1):c.7440C>A (p.Gly2480=)

Gene: RYR1 (ryanodine receptor 1; plus strand). Cytogenetic location: 19q13.2.
Variant type: single nucleotide variant.
Coding change: c.7440C>A on transcript NM_000540.3 (MANE Select); coding-DNA position 7440, C replaced by A.
Protein change: p.Gly2480=; no amino-acid change (glycine 2480 retained).
Molecular consequence: synonymous variant.
Genome position (GRCh38, 1-based): chr19:38,500,722, C>A. VCF-style: chr19-38500722-C-A. GRCh37 (hg19) VCF-style: chr19-38991362-C-A.
Other names: c.7440C>A, p.Gly2480= (NM_001042723.2).
Identifiers: ClinVar variation 704411 (VCV000704411.11), dbSNP rs745880204, ClinGen allele CA069636.
Genomic context (GRCh38, chr19:38,500,722, plus strand): 5'-TGTGCCCTTGGAGGACCTTGTGGGCATCATCAGCCTCCCACTGCAGATTCCCACCCTGGG[C>A]AAAGGTGCAGAGGGGATGGAACTTGGCGAAGGAGTGATGCTGGGGAGGGAGCGGCTGGGT-3'
Protein context (NP_000531.2, residues 2470-2490): ISLPLQIPTL[Gly2480=]KDGALVQPKM